The following is an entry in ClinVar:

ClinVar aggregate classification (germline): Uncertain significance (1 of 4 stars; one submission).

Conditions:
Hereditary cancer-predisposing syndrome. Also called: Neoplastic Syndromes, Hereditary; Tumor predisposition; Hereditary Cancer Syndrome; Hereditary neoplastic syndrome. Identifiers: Orphanet 140162, MedGen C0027672, MeSH D009386, MONDO:0015356.

Submission:

Ambry Genetics
Classification: Uncertain significance for Hereditary cancer-predisposing syndrome. Last evaluated: 2025-09-05. Review status: criteria provided, single submitter. Criteria: Ambry Variant Classification Scheme 2023. Collection method: clinical testing. Allele origin: germline.
Comment: The p.K65N variant (also known as c.195G>C), located in coding exon 2 of the RB1 gene, results from a G to C substitution at nucleotide position 195. The lysine at codon 65 is replaced by asparagine, an amino acid with similar properties. This amino acid position is highly conserved in available vertebrate species. In addition, this alteration is predicted to be tolerated by in silico analysis. Based on the available evidence, the clinical significance of this variant remains unclear.

NM_000321.3(RB1):c.195G>C (p.Lys65Asn)

Gene: RB1 (RB transcriptional corepressor 1; plus strand). Cytogenetic location: 13q14.2.
Variant type: single nucleotide variant.
Coding change: c.195G>C on transcript NM_000321.3 (MANE Select); coding-DNA position 195, G replaced by C.
Protein change: p.Lys65Asn; replaces lysine 65 with asparagine.
Molecular consequence: missense variant.
Genome position (GRCh38, 1-based): chr13:48,307,337, G>C. VCF-style: chr13-48307337-G-C. GRCh37 (hg19) VCF-style: chr13-48881473-G-C.
Other names: c.195G>C, p.Lys65Asn (NM_001407165.1, NM_001407166.1, NM_001407167.1); short protein forms K65N.
Identifiers: ClinVar variation 4151218 (VCV004151218.1).
Genomic context (GRCh38, chr13:48,307,337, plus strand): 5'-TAGGCTTGAGTTTGAAGAAACAGAAGAACCTGATTTTACTGCATTATGTCAGAAATTAAA[G>C]ATACCAGATCATGTCAGAGAGAGAGCTTGGTTAACTTGGGAGAAAGTTTCATCTGTGGAT-3'
Protein context (NP_000312.2, residues 55-75): PDFTALCQKL[Lys65Asn]IPDHVRERAW